The following is an entry in ClinVar:

ClinVar aggregate classification (germline): Uncertain significance. Review status: criteria provided, multiple submitters, no conflicts (2 of 4 stars). 2 submissions from 2 submitters: Uncertain significance (2). Last evaluated 2025-10-27.

Conditions:
Naxos disease (NXD). Also called: WOOLLY HAIR, PALMOPLANTAR KERATODERMA, AND CARDIAC ABNORMALITIES; CARDIOMYOPATHY, ARRHYTHMOGENIC RIGHT VENTRICULAR, WITH SKIN, HAIR, AND NAIL ABNORMALITIES; KERATOSIS PALMOPLANTARIS WITH ARRHYTHMOGENIC CARDIOMYOPATHY; MAL DE NAXOS; PALMOPLANTAR KERATODERMA WITH ARRHYTHMOGENIC RIGHT VENTRICULAR CARDIOMYOPATHY AND WOOLLY HAIR. Identifiers: Orphanet 34217, MedGen C1832600, MONDO:0011017, OMIM 601214.
Arrhythmogenic right ventricular dysplasia 12. Also called: ARRHYTHMOGENIC RIGHT VENTRICULAR DYSPLASIA, FAMILIAL, 12. Identifiers: MedGen C1969081, MONDO:0012684, OMIM 611528.

Allele frequency attached by ClinVar (database versions not stated): gnomAD exomes below 0.00001 and 0.00001; TOPMed below 0.00001; gnomAD 0.00001.

Submissions (2):

Labcorp Genetics (formerly Invitae), Labcorp
Classification: Uncertain significance for Arrhythmogenic right ventricular dysplasia 12; Naxos disease. Last evaluated: 2025-10-27. Review status: criteria provided, single submitter. Criteria: Invitae Variant Classification Sherloc (09022015). Collection method: clinical testing. Allele origin: germline.
Comment: This sequence change replaces tyrosine, which is neutral and polar, with asparagine, which is neutral and polar, at codon 594 of the JUP protein (p.Tyr594Asn). This variant is present in population databases (no rsID available, gnomAD 0.003%). This variant has not been reported in the literature in individuals affected with JUP-related conditions. ClinVar contains an entry for this variant (Variation ID: 1310589). An algorithm developed to predict the effect of missense changes on protein structure and function (PolyPhen-2) suggests that this variant is likely to be disruptive. In summary, the available evidence is currently insufficient to determine the role of this variant in disease. Therefore, it has been classified as a Variant of Uncertain Significance.

GeneDx
Classification: Uncertain significance. Last evaluated: 2025-04-29. Review status: criteria provided, single submitter. Criteria: GeneDx Variant Classification Process June 2021. Collection method: clinical testing. Allele origin: germline. Affected: yes.
Comment: Has not been previously published as pathogenic or benign to our knowledge; Not observed at significant frequency in large population cohorts (gnomAD); In silico analysis supports that this missense variant has a deleterious effect on protein structure/function

NM_002230.4(JUP):c.1780T>A (p.Tyr594Asn)

Gene: JUP (junction plakoglobin; minus strand). Cytogenetic location: 17q21.2.
Variant type: single nucleotide variant.
Coding change: c.1780T>A on transcript NM_002230.4 (MANE Select); coding-DNA position 1780, T replaced by A.
Protein change: p.Tyr594Asn; replaces tyrosine 594 with asparagine.
Molecular consequence: missense variant.
Genome position (GRCh38, 1-based): chr17:41,757,778, A>T on the plus strand (T>A on the coding strand, the complement: JUP is on the minus strand). VCF-style: chr17-41757778-A-T. GRCh37 (hg19) VCF-style: chr17-39914030-A-T.
Other names: c.1780T>A, p.Tyr594Asn (NM_001352773.2, NM_001352774.2, NM_001352775.2 and 3 more transcripts); short protein forms Y594N.
Identifiers: ClinVar variation 1310589 (VCV001310589.7), dbSNP rs1555599033, ClinGen allele CA399492647.